The following is an entry in ClinVar:

NM_000218.3(KCNQ1):c.417C>T (p.Phe139=)

Gene: KCNQ1 (potassium voltage-gated channel subfamily Q member 1; plus strand). Cytogenetic location: 11p15.5.
Variant type: single nucleotide variant.
Coding change: c.417C>T on transcript NM_000218.3 (MANE Select); coding-DNA position 417, C replaced by T.
Protein change: p.Phe139=; no amino-acid change (phenylalanine 139 retained).
Molecular consequence: synonymous variant.
Genome position (GRCh38, 1-based): chr11:2,527,958, C>T. VCF-style: chr11-2527958-C-T. GRCh37 (hg19) VCF-style: chr11-2549188-C-T.
Other names: c.417C>T, p.Phe139= (NM_001406836.1, NM_001406838.1); c.147C>T, p.Phe49= (NM_001406837.1); c.36C>T, p.Phe12= (NM_181798.2).
Identifiers: ClinVar variation 1171772 (VCV001171772.9), dbSNP rs149143353, ClinGen allele CA037090.

ClinVar aggregate classification (germline): Likely benign. Review status: criteria provided, multiple submitters, no conflicts (2 of 4 stars). 3 submissions from 3 submitters: Likely benign (3). Last evaluated 2025-09-13.

Conditions:
Cardiac arrhythmia. Also called: Cardiac rhythm disease; Arrhythmia. Identifiers: MedGen C0003811, MONDO:0007263, HP:0011675.
Long QT syndrome (LQTS). Identifiers: MedGen C0023976, MeSH D008133, MONDO:0002442. Disease mechanism: loss of function. Inheritance: Various modes of inheritance.

Allele frequency attached by ClinVar (database versions not stated): ESP Exome Variant Server 0.00008; gnomAD exomes below 0.00001; gnomAD 0.00002; TOPMed 0.00001; ExAC 0.00001.
gnomAD v4.1: 7 of 1,614,004 alleles (0.00043%); highest among the groups gnomAD compares: Non-Finnish European, 0.00059%; no homozygotes.

Submissions (3):

Labcorp Genetics (formerly Invitae), Labcorp
Classification: Likely benign for Long QT syndrome. Last evaluated: 2025-09-13. Review status: criteria provided, single submitter. Criteria: Invitae Variant Classification Sherloc (09022015). Collection method: clinical testing. Allele origin: germline.

All of Us Research Program, National Institutes of Health
Classification: Likely benign for Long QT syndrome. Last evaluated: 2024-05-14. Review status: criteria provided, single submitter. Criteria: ACMG Guidelines, 2015. Collection method: clinical testing. Allele origin: germline. Inheritance: Autosomal dominant inheritance. Observed: 1 variant allele, 1 heterozygote.
Comment: This study involves interpretation of variants in research participants for the purpose of population health screening. Participant phenotype was not available at the time of variant classification. Additional details can be found in publication PMID: 35346344, PMCID: PMC8962531

Color Diagnostics, LLC DBA Color Health
Classification: Likely benign for Cardiac arrhythmia. Last evaluated: 2020-11-24. Review status: criteria provided, single submitter. Criteria: ACMG Guidelines, 2015. Collection method: clinical testing. Allele origin: germline.